The following is an entry in ClinVar:

NM_001710.6(CFB):c.362A>G (p.Tyr121Cys)

Gene: CFB (complement factor B; plus strand). Cytogenetic location: 6p21.33.
Variant type: single nucleotide variant.
Coding change: c.362A>G on transcript NM_001710.6 (MANE Select); coding-DNA position 362, A replaced by G.
Protein change: p.Tyr121Cys; replaces tyrosine 121 with cysteine.
Molecular consequence: missense variant.
Genome position (GRCh38, 1-based): chr6:31,947,070, A>G. VCF-style: chr6-31947070-A-G. GRCh37 (hg19) VCF-style: chr6-31914847-A-G.
Other names: c.362A>G (NM_001710.5); short protein forms Y121C.
Identifiers: ClinVar variation 1398993 (VCV001398993.9), dbSNP rs747474569, ClinGen allele CA3728021.
Genomic context (GRCh38, chr6:31,947,070, plus strand): 5'-TCCACTGTCCAAGACCACACGACTTCGAGAACGGGGAATACTGGCCCCGGTCTCCCTACT[A>G]CAATGTGAGTGATGAGATCTCTTTCCACTGCTATGACGGTTACACTCTCCGGGGCTCTGC-3'
Protein context (NP_001701.2, residues 111-131): NGEYWPRSPY[Tyr121Cys]NVSDEISFHC

ClinVar aggregate classification (germline): Uncertain significance. Review status: criteria provided, multiple submitters, no conflicts (2 of 4 stars). 2 submissions from 2 submitters: Uncertain significance (2). Last evaluated 2025-02-10.

Conditions:
Inborn genetic diseases. Identifiers: MedGen C0950123, MeSH D030342.

Allele frequency attached by ClinVar (database versions not stated): gnomAD exomes 0.00004 and 0.00008; TOPMed 0.00004; gnomAD 0.00007; ExAC 0.00009.

Submissions (2):

Labcorp Genetics (formerly Invitae), Labcorp
Classification: Uncertain significance. Last evaluated: 2025-02-10. Review status: criteria provided, single submitter. Criteria: Invitae Variant Classification Sherloc (09022015). Collection method: clinical testing. Allele origin: germline.
Comment: This sequence change replaces tyrosine, which is neutral and polar, with cysteine, which is neutral and slightly polar, at codon 121 of the CFB protein (p.Tyr121Cys). This variant is present in population databases (rs747474569, gnomAD 0.03%). This variant has not been reported in the literature in individuals affected with CFB-related conditions. ClinVar contains an entry for this variant (Variation ID: 1398993). Invitae Evidence Modeling of protein sequence and biophysical properties (such as structural, functional, and spatial information, amino acid conservation, physicochemical variation, residue mobility, and thermodynamic stability) indicates that this missense variant is expected to disrupt CFB protein function with a positive predictive value of 80%. In summary, the available evidence is currently insufficient to determine the role of this variant in disease. Therefore, it has been classified as a Variant of Uncertain Significance.

Ambry Genetics
Classification: Uncertain significance for Inborn genetic diseases. Last evaluated: 2021-11-30. Review status: criteria provided, single submitter. Criteria: Ambry Variant Classification Scheme 2023. Collection method: clinical testing. Allele origin: germline.